The following is an entry in ClinVar:

ClinVar aggregate classification (germline): Benign. Review status: criteria provided, multiple submitters, no conflicts (2 of 4 stars). 18 submissions from 15 submitters: Benign (12). 6 of the submissions do not count toward it. Last evaluated 2026-02-04.

Conditions:
Charcot-Marie-Tooth disease type 2Y. Also called: CHARCOT-MARIE-TOOTH DISEASE, AXONAL, AUTOSOMAL DOMINANT, TYPE 2Y; CHARCOT-MARIE-TOOTH NEUROPATHY, TYPE 2Y; Charcot-Marie-Tooth disease, axonal, type 2y. Identifiers: Orphanet 435387, MedGen C5569026, MONDO:0014735, OMIM 616687.
Frontotemporal dementia and/or amyotrophic lateral sclerosis 6 (FTDALS6). Also called: VCP-Related Amyotrophic Lateral Sclerosis/Frontotemporal Dementia; VCP-Related Amyotrophic Lateral Sclerosis. Identifiers: Orphanet 275872, Orphanet 803, MedGen C5436279, MONDO:0013501, OMIM 613954.
Inclusion body myopathy with Paget disease of bone and frontotemporal dementia. Also called: Inclusion body myopathy with early-onset Paget disease and frontotemporal dementia. Identifiers: Orphanet 52430, MedGen C1833662, MONDO:0000507.
Inclusion body myopathy with Paget disease of bone and frontotemporal dementia type 1. Also called: MULTISYSTEM PROTEINOPATHY 1; Inclusion body myopathy with early-onset Paget disease with or without frontotemporal dementia 1; Inclusion body myopathy with early-onset Paget disease and frontotemporal dementia 1. Identifiers: MedGen C4551951, MONDO:0008178, OMIM 167320.

Allele frequency attached by ClinVar (database versions not stated): 1000 Genomes Project 0.70108; 1000 Genomes Project 30x 0.70456; ExAC 0.74418; gnomAD exomes 0.74647 and 0.76581; gnomAD 0.75150 and 0.75591; TOPMed 0.75769; ESP Exome Variant Server 0.75942.
gnomAD v4.1: 1,232,320 of 1,613,250 alleles (76%); highest among the groups gnomAD compares: Admixed American, 83%; 473,708 homozygotes.

Submissions (18):

Labcorp Genetics (formerly Invitae), Labcorp
Classification: Benign for Inclusion body myopathy with Paget disease of bone and frontotemporal dementia; Frontotemporal dementia and/or amyotrophic lateral sclerosis 6. Last evaluated: 2026-02-04. Review status: criteria provided, single submitter. Criteria: Invitae Variant Classification Sherloc (09022015). Collection method: clinical testing. Allele origin: germline.

Blueprint Genetics
Classification: Benign. Last evaluated: 2024-11-27. Review status: criteria provided, single submitter. Criteria: ACMG Guidelines, 2015. Collection method: clinical testing. Allele origin: germline.

Genome-Nilou Lab
Classification: Benign for Charcot-Marie-Tooth disease type 2Y. Last evaluated: 2021-12-05. Review status: criteria provided, single submitter. Criteria: ACMG Guidelines, 2015. Collection method: clinical testing. Allele origin: germline. Affected: no.

Genome-Nilou Lab
Classification: Benign for Frontotemporal dementia and/or amyotrophic lateral sclerosis 6. Last evaluated: 2021-12-05. Review status: criteria provided, single submitter. Criteria: ACMG Guidelines, 2015. Collection method: clinical testing. Allele origin: germline. Affected: no.

Genome-Nilou Lab
Classification: Benign for Inclusion body myopathy with Paget disease of bone and frontotemporal dementia type 1. Last evaluated: 2021-12-05. Review status: criteria provided, single submitter. Criteria: ACMG Guidelines, 2015. Collection method: clinical testing. Allele origin: germline. Affected: no.

GeneDx
Classification: Benign. Last evaluated: 2018-07-03. Review status: criteria provided, single submitter. Criteria: GeneDx Variant Classification Process June 2021. Collection method: clinical testing. Allele origin: germline. Affected: yes.
Comment: This variant is associated with the following publications: (PMID: 29851785, 30954774)

Illumina Laboratory Services, Illumina
Classification: Benign for Inclusion body myopathy with Paget disease of bone and frontotemporal dementia type 1. Last evaluated: 2018-01-13. Review status: criteria provided, single submitter. Criteria: ICSL Variant Classification Criteria 13 December 2019. Collection method: clinical testing. Allele origin: germline.
Comment: This variant was observed in the ICSL laboratory as part of a predisposition screen in an ostensibly healthy population. It had not been previously curated by ICSL or reported in the Human Gene Mutation Database (HGMD: prior to June 1st, 2018), and was therefore a candidate for classification through an automated scoring system. Utilizing variant allele frequency, disease prevalence and penetrance estimates, and inheritance mode, an automated score was calculated to assess if this variant is too frequent to cause the disease. Based on the score and internal cut-off values, a variant classified as benign is not then subjected to further curation. The score for this variant resulted in a classification of benign for this disease.

Illumina Laboratory Services, Illumina
Classification: Benign for Frontotemporal dementia and/or amyotrophic lateral sclerosis 6. Last evaluated: 2018-01-13. Review status: criteria provided, single submitter. Criteria: ICSL Variant Classification Criteria 13 December 2019. Collection method: clinical testing. Allele origin: germline.
Comment: the same text as in the submission from Illumina Laboratory Services, Illumina above.

Mayo Clinic Laboratories, Mayo Clinic
Classification: Benign. Last evaluated: 2017-10-04. Review status: criteria provided, single submitter. Criteria: ACMG Guidelines, 2015. Collection method: clinical testing. Allele origin: germline. Observed: 2,080 variant alleles.

Athena Diagnostics
Classification: Benign. Last evaluated: 2017-07-21. Review status: criteria provided, single submitter. Criteria: Athena Diagnostics Criteria. Collection method: clinical testing. Allele origin: germline.

Breakthrough Genomics
Classification: Benign. Review status: criteria provided, single submitter. Criteria: ACMG Guidelines, 2015. Collection method: not provided. Allele origin: germline. Inheritance: Autosomal dominant inheritance. Affected: yes.

PreventionGenetics, part of Exact Sciences
Classification: Benign. Review status: criteria provided, single submitter. Criteria: ACMG Guidelines, 2015. Collection method: clinical testing. Allele origin: germline.

Clinical Genetics DNA and cytogenetics Diagnostics Lab, Erasmus MC, Erasmus Medical Center
Classification: Benign. Review status: no assertion criteria provided. Collection method: clinical testing. Allele origin: germline. Affected: yes. Study: VKGL Data-share Consensus. Not counted in ClinVar's aggregate classification.

Clinical Genetics, Academic Medical Center
Classification: Benign. Review status: no assertion criteria provided. Collection method: clinical testing. Allele origin: germline. Affected: yes. Study: VKGL Data-share Consensus. Not counted in ClinVar's aggregate classification.

Diagnostic Laboratory, Department of Genetics, University Medical Center Groningen
Classification: Benign. Review status: no assertion criteria provided. Collection method: clinical testing. Allele origin: germline. Affected: yes. Study: VKGL Data-share Consensus. Not counted in ClinVar's aggregate classification.

Genome Diagnostics Laboratory, Amsterdam University Medical Center
Classification: Benign. Review status: no assertion criteria provided. Collection method: clinical testing. Allele origin: germline. Affected: yes. Study: VKGL Data-share Consensus. Not counted in ClinVar's aggregate classification.

Genome Diagnostics Laboratory, University Medical Center Utrecht
Classification: Benign. Review status: no assertion criteria provided. Collection method: clinical testing. Allele origin: germline. Affected: yes. Study: VKGL Data-share Consensus. Not counted in ClinVar's aggregate classification.

Joint Genome Diagnostic Labs from Nijmegen and Maastricht, Radboudumc and MUMC+
Classification: Benign. Review status: no assertion criteria provided. Collection method: clinical testing. Allele origin: germline. Affected: yes. Study: VKGL Data-share Consensus. Not counted in ClinVar's aggregate classification.

NM_007126.5(VCP):c.811+3G>A

Gene: VCP (valosin containing protein; minus strand). Cytogenetic location: 9p13.3.
Variant type: single nucleotide variant.
Coding change: c.811+3G>A on transcript NM_007126.5 (MANE Select); 3 bases into the intron after coding-DNA position 811, G replaced by A.
Molecular consequence: intron variant.
Genome position (GRCh38, 1-based): chr9:35,062,975, C>T on the plus strand (G>A on the coding strand, the complement: VCP is on the minus strand). VCF-style: chr9-35062975-C-T. GRCh37 (hg19) VCF-style: chr9-35062972-C-T.
Other names: p.?; c.676+3G>A (NM_001354927.2, NM_001354928.2).
Identifiers: ClinVar variation 260128 (VCV000260128.28), dbSNP rs514492, ClinGen allele CA5039377.